The following is an entry in ClinVar:

NM_004415.4(DSP):c.5887A>G (p.Thr1963Ala)

Gene: DSP (desmoplakin; plus strand). Cytogenetic location: 6p24.3.
Variant type: single nucleotide variant.
Coding change: c.5887A>G on transcript NM_004415.4 (MANE Select); coding-DNA position 5887, A replaced by G.
Protein change: p.Thr1963Ala; replaces threonine 1963 with alanine.
Molecular consequence: missense variant.
Genome position (GRCh38, 1-based): chr6:7,583,149, A>G. VCF-style: chr6-7583149-A-G. GRCh37 (hg19) VCF-style: chr6-7583382-A-G.
Other names: c.4090A>G, p.Thr1364Ala (NM_001008844.3); c.4558A>G, p.Thr1520Ala (NM_001319034.2); short protein forms T1963A, T1364A, T1520A.
Identifiers: ClinVar variation 2140517 (VCV002140517.6), dbSNP rs1485313944, ClinGen allele CA362689630.

ClinVar aggregate classification (germline): Uncertain significance. Review status: criteria provided, multiple submitters, no conflicts (2 of 4 stars). 2 submissions from 2 submitters: Uncertain significance (2). Last evaluated 2026-09-11.

Conditions:
Arrhythmogenic cardiomyopathy with wooly hair and keratoderma. Also called: Arrhythmogenic cardiomyopathy with woolly hair and keratoderma; PALMOPLANTAR KERATODERMA WITH LEFT VENTRICULAR CARDIOMYOPATHY AND WOOLLY HAIR; Carvajal syndrome; Dilated cardiomyopathy with woolly hair and keratoderma. Identifiers: Orphanet 65282, MedGen C1854063, MONDO:0011581, OMIM 605676.
Arrhythmogenic right ventricular dysplasia 8 (ARVD8). Also called: Arrhythmogenic Right Ventricular Dysplasia/Cardiomyopathy 8; ARRHYTHMOGENIC RIGHT VENTRICULAR DYSPLASIA, FAMILIAL, 8; ARRHYTHMOGENIC RIGHT VENTRICULAR CARDIOMYOPATHY 8. Identifiers: MedGen C1843896, MONDO:0011831, OMIM 607450.
Cardiovascular phenotype. Identifiers: MedGen CN230736.

Allele frequency attached by ClinVar (database versions not stated): gnomAD 0.00001; gnomAD exomes below 0.00001.
gnomAD v4.1: 3 of 1,613,854 alleles (0.00019%); highest among the groups gnomAD compares: African/African-American, 0.0013%; no homozygotes.

Submissions (2):

Ambry Genetics
Classification: Uncertain significance for Cardiovascular phenotype. Last evaluated: 2026-09-11. Review status: criteria provided, single submitter. Criteria: Ambry Variant Classification Scheme 2023. Collection method: clinical testing. Allele origin: germline.
Comment: The p.T1963A variant (also known as c.5887A>G), located in coding exon 24 of the DSP gene, results from an A to G substitution at nucleotide position 5887. The threonine at codon 1963 is replaced by alanine, an amino acid with similar properties. This amino acid position is conserved. In addition, this alteration is predicted to be tolerated by in silico analysis. Based on the available evidence, the clinical significance of this variant remains unclear.

Labcorp Genetics (formerly Invitae), Labcorp
Classification: Uncertain significance for Arrhythmogenic cardiomyopathy with wooly hair and keratoderma; Arrhythmogenic right ventricular dysplasia 8. Last evaluated: 2022-09-03. Review status: criteria provided, single submitter. Criteria: Invitae Variant Classification Sherloc (09022015). Collection method: clinical testing. Allele origin: germline.
Comment: This sequence change replaces threonine, which is neutral and polar, with alanine, which is neutral and non-polar, at codon 1963 of the DSP protein (p.Thr1963Ala). This variant is present in population databases (no rsID available, gnomAD 0.0009%). This variant has not been reported in the literature in individuals affected with DSP-related conditions. Algorithms developed to predict the effect of missense changes on protein structure and function (SIFT, PolyPhen-2, Align-GVGD) all suggest that this variant is likely to be tolerated. In summary, the available evidence is currently insufficient to determine the role of this variant in disease. Therefore, it has been classified as a Variant of Uncertain Significance.